The following is an entry in ClinVar:

NM_001287.6(CLCN7):c.801G>A (p.Thr267=)

Gene: CLCN7 (Cl-/H+ antiporter 7; minus strand). Cytogenetic location: 16p13.3.
Variant type: single nucleotide variant.
Coding change: c.801G>A on transcript NM_001287.6 (MANE Select); coding-DNA position 801, G replaced by A.
Protein change: p.Thr267=; no amino-acid change (threonine 267 retained).
Molecular consequence: synonymous variant.
Genome position (GRCh38, 1-based): chr16:1,457,275, C>T on the plus strand (G>A on the coding strand, the complement: CLCN7 is on the minus strand). VCF-style: chr16-1457275-C-T. GRCh37 (hg19) VCF-style: chr16-1507276-C-T.
Other names: p.Thr267=; c.729G>A, p.Thr243= (NM_001114331.3).
Identifiers: ClinVar variation 317954 (VCV000317954.19), dbSNP rs61743590, ClinGen allele CA7810573.

ClinVar aggregate classification (germline): Benign/Likely benign. Review status: criteria provided, multiple submitters, no conflicts (2 of 4 stars). 5 submissions from 5 submitters: Benign (4); Likely benign (1). Last evaluated 2026-02-04.

Conditions:
Osteopetrosis. Identifiers: Orphanet 2781, MedGen C0029454, MONDO:0017198, HP:0011002.
Disorder of bone. Also called: Bone disease; Bone disorder; Rare bone disease related to a common gene or pathway defect. Identifiers: Orphanet 364803, MedGen C0005940, MONDO:0005381.

Allele frequency attached by ClinVar (database versions not stated): 1000 Genomes Project 0.00919; 1000 Genomes Project 30x 0.00984; gnomAD exomes 0.01458 and 0.01802; ExAC 0.01484; gnomAD 0.01600 and 0.01670; TOPMed 0.01644; ESP Exome Variant Server 0.01970.
gnomAD v4.1: 28,690 of 1,613,894 alleles (1.8%); highest among the groups gnomAD compares: Middle Eastern, 2.6%; 307 homozygotes.

Submissions (5):

Labcorp Genetics (formerly Invitae), Labcorp
Classification: Benign. Last evaluated: 2026-02-04. Review status: criteria provided, single submitter. Criteria: Invitae Variant Classification Sherloc (09022015). Collection method: clinical testing. Allele origin: germline.

Mayo Clinic Laboratories, Mayo Clinic
Classification: Likely benign. Last evaluated: 2025-09-17. Review status: criteria provided, single submitter. Criteria: ACMG Guidelines, 2015. Collection method: clinical testing. Allele origin: germline. Observed: 5 variant alleles.
Comment: BS1, BP4, BP7

Genome Diagnostics Laboratory, The Hospital for Sick Children
Classification: Benign for Disorder of bone. Last evaluated: 2022-02-25. Review status: criteria provided, single submitter. Criteria: ACMG Guidelines, 2015. Collection method: clinical testing. Allele origin: germline. Affected: yes.
Comment: This synonymous variant is classified as Benign (ACMG criteria - BS1, BS2, BP6, BP4, BP7)

Illumina Laboratory Services, Illumina
Classification: Benign for Osteopetrosis. Last evaluated: 2018-01-13. Review status: criteria provided, single submitter. Criteria: ICSL Variant Classification Criteria 13 December 2019. Collection method: clinical testing. Allele origin: germline.
Comment: This variant was observed in the ICSL laboratory as part of a predisposition screen in an ostensibly healthy population. It had not been previously curated by ICSL or reported in the Human Gene Mutation Database (HGMD: prior to June 1st, 2018), and was therefore a candidate for classification through an automated scoring system. Utilizing variant allele frequency, disease prevalence and penetrance estimates, and inheritance mode, an automated score was calculated to assess if this variant is too frequent to cause the disease. Based on the score and internal cut-off values, a variant classified as benign is not then subjected to further curation. The score for this variant resulted in a classification of benign for this disease.

Breakthrough Genomics
Classification: Benign. Review status: criteria provided, single submitter. Criteria: ACMG Guidelines, 2015. Collection method: not provided. Allele origin: germline. Inheritance: Autosomal recessive inheritance. Affected: yes.